The following is an entry in ClinVar:

ClinVar aggregate classification (germline): Uncertain significance (1 of 4 stars; one submission).

Conditions:
Inborn genetic diseases. Identifiers: MedGen C0950123, MeSH D030342.

gnomAD v4.1: 3 of 1,612,138 alleles (0.00019%); highest among the groups gnomAD compares: South Asian, 0.0011%; no homozygotes.

Submission:

Ambry Genetics
Classification: Uncertain significance for Inborn genetic diseases. Last evaluated: 2026-02-24. Review status: criteria provided, single submitter. Criteria: Ambry Variant Classification Scheme 2023. Collection method: clinical testing. Allele origin: germline.
Comment: The p.Y60F variant (also known as c.179A>T), located in coding exon 1 of the GATA2 gene, results from an A to T substitution at nucleotide position 179. The tyrosine at codon 60 is replaced by phenylalanine, an amino acid with highly similar properties. This amino acid position is conserved. In addition, this alteration is predicted to be deleterious by in silico analysis. Based on the available evidence, the clinical significance of this variant remains unclear.

NM_032638.5(GATA2):c.179A>T (p.Tyr60Phe)

Gene: GATA2 (GATA binding protein 2; minus strand). Cytogenetic location: 3q21.3.
Variant type: single nucleotide variant.
Coding change: c.179A>T on transcript NM_032638.5 (MANE Select); coding-DNA position 179, A replaced by T.
Protein change: p.Tyr60Phe; replaces tyrosine 60 with phenylalanine.
Molecular consequence: missense variant.
Genome position (GRCh38, 1-based): chr3:128,486,853, T>A on the plus strand (A>T on the coding strand, the complement: GATA2 is on the minus strand). VCF-style: chr3-128486853-T-A. GRCh37 (hg19) VCF-style: chr3-128205696-T-A.
Other names: c.179A>T, p.Tyr60Phe (NM_001145661.2, NM_001145662.1); short protein forms Y60F.
Identifiers: ClinVar variation 4826578 (VCV004826578.1).
Genomic context (GRCh38, chr3:128,486,853, plus strand): 5'-CAGTGCTCACCGTGCGCGGGGCTGTAGGAGACGCGCGCCCGCGCGTGAGCGGGGTTGGCA[T>A]AGTAGGGGTTGCCCTGCGAGTCGAGGTGATTGAAGAAGACGTCCACCTCGTCTGGAGGCA-3'
Protein context (NP_116027.2, residues 50-70): NHLDSQGNPY[Tyr60Phe]ANPAHARARV